The following is an entry in ClinVar:

NM_177438.3(DICER1):c.5307T>G (p.Ile1769Met)

Gene: DICER1 (dicer 1, ribonuclease III; minus strand). Cytogenetic location: 14q32.13.
Variant type: single nucleotide variant.
Coding change: c.5307T>G on transcript NM_177438.3 (MANE Select); coding-DNA position 5307, T replaced by G.
Protein change: p.Ile1769Met; replaces isoleucine 1769 with methionine.
Molecular consequence: missense variant. On other transcripts: non-coding transcript variant (6).
Genome position (GRCh38, 1-based): chr14:95,093,945, A>C on the plus strand (T>G on the coding strand, the complement: DICER1 is on the minus strand). VCF-style: chr14-95093945-A-C. GRCh37 (hg19) VCF-style: chr14-95560282-A-C.
Other names: c.5307T>G, p.Ile1769Met (NM_001195573.1, NM_001271282.3, NM_001291628.2 and 9 more transcripts); c.5025T>G, p.Ile1675Met (NM_001395686.1); c.4902T>G, p.Ile1634Met (NM_001395687.1, NM_001395688.1, NM_001395689.1 and 1 more transcripts); c.4740T>G, p.Ile1580Met (NM_001395691.1); c.3624T>G, p.Ile1208Met (NM_001395697.1); short protein forms I1208M, I1580M, I1675M, I1634M, I1769M.
Identifiers: ClinVar variation 1746732 (VCV001746732.2), dbSNP rs2139811602, ClinGen allele CA390864987.
Genomic context (GRCh38, chr14:95,093,945, plus strand): 5'-AACCTCAGAATCCATTCCTTGCATTTCATTCTTCTCAAGCTGAAACTGCACAAAGTCATC[A>C]ATGACATGGAAGAGCTCAGGAGAGACAGCTTTGAAGTACTTGTGGTAGTCGTACTTTACA-3'
Protein context (NP_803187.1, residues 1759-1779): KAVSPELFHV[Ile1769Met]DDFVQFQLEK

ClinVar aggregate classification (germline): Uncertain significance (1 of 4 stars; one submission).

Conditions:
Hereditary cancer-predisposing syndrome. Also called: Hereditary Cancer Syndrome; Neoplastic Syndromes, Hereditary; Tumor predisposition; Hereditary neoplastic syndrome. Identifiers: Orphanet 140162, MedGen C0027672, MeSH D009386, MONDO:0015356.

Submission:

Ambry Genetics
Classification: Uncertain significance for Hereditary cancer-predisposing syndrome. Last evaluated: 2021-01-06. Review status: criteria provided, single submitter. Criteria: Ambry Variant Classification Scheme 2023. Collection method: clinical testing. Allele origin: germline.
Comment: The p.I1769M variant (also known as c.5307T>G), located in coding exon 23 of the DICER1 gene, results from a T to G substitution at nucleotide position 5307. The isoleucine at codon 1769 is replaced by methionine, an amino acid with highly similar properties. This amino acid position is highly conserved in available vertebrate species. In addition, this alteration is predicted to be deleterious by in silico analysis. This missense alteration is located in a region that has a low rate of benign missense variation (Lek M et al. Nature. 2016 Aug 18;536(7616):285-91; DECIPHER: Database of Chromosomal Imbalance and Phenotype in Humans using Ensembl Resources. Firth H.V. et al. 2009. Am.J.Hum.Genet. 84, 524-533 (DOI)). Since supporting evidence is limited at this time, the clinical significance of this alteration remains unclear.